The following is an entry in ClinVar:

ClinVar aggregate classification (germline): Pathogenic (1 of 4 stars; one submission).

Conditions:
Primary ciliary dyskinesia. Also called: Ciliary dyskinesia. Identifiers: Orphanet 244, MedGen C0008780, MONDO:0016575, HP:0012265.

Submission:

Labcorp Genetics (formerly Invitae), Labcorp
Classification: Pathogenic for Primary ciliary dyskinesia. Last evaluated: 2022-04-28. Review status: criteria provided, single submitter. Criteria: Invitae Variant Classification Sherloc (09022015). Collection method: clinical testing. Allele origin: germline.
Comment: For these reasons, this variant has been classified as Pathogenic. This variant disrupts a region of the RPGR (ORF15) protein in which other variant(s) (p.Leu1130Lysfs*13) have been determined to be pathogenic (PMID: 22264887; Invitae). This suggests that this is a clinically significant region of the protein, and that variants that disrupt it are likely to be disease-causing. This variant has not been reported in the literature in individuals affected with RPGR (ORF15)-related conditions. This variant is not present in population databases (gnomAD no frequency). This sequence change creates a premature translational stop signal (p.Met1122Asnfs*22) in the RPGR (ORF15) gene. While this is not anticipated to result in nonsense mediated decay, it is expected to disrupt the last 31 amino acid(s) of the RPGR (ORF15) protein.

Literature cited by the submitters: PubMed 22264887.

NM_001034853.2(RPGR):c.3364dup (p.Met1122fs)

Gene: RPGR (retinitis pigmentosa GTPase regulator; minus strand). Cytogenetic location: Xp11.4.
Variant type: Duplication.
Coding change: c.3364dup on transcript NM_001034853.2 (MANE Select); coding-DNA position 3364, one base duplicated (A; older notation c.3364dupA).
Protein change: p.Met1122fs; shifts the reading frame from methionine 1122.
Molecular consequence: frameshift variant. On other transcripts: intron variant (8).
Genome position (GRCh38, 1-based): chrX:38,285,635, T duplicated on the plus strand (A on the coding strand, the reverse complement: RPGR is on the minus strand); the first of 4 consecutive T bases (chrX:38,285,635-38,285,638); duplicating any one gives the same sequence. VCF-style (leftmost placement, unchanged base first): chrX-38285634-A-AT. GRCh37 (hg19) VCF-style: chrX-38144887-A-AT.
Other names: c.1569+5324dup (NM_001367249.1, NM_001367250.1); c.1902+1459dup (NM_001367245.1); c.1386+5324dup (NM_001367251.1); c.1719+1459dup (NM_001367246.1); c.1572+5324dup (NM_001367247.1); c.1905+1459dup (NM_000328.3); c.1602+5324dup (NM_001367248.1); short protein forms M1122fs.
Identifiers: ClinVar variation 2131137 (VCV002131137.4), dbSNP rs2519779932, ClinGen allele CA1139768697.
Genomic context (GRCh38, chrX:38,285,634, plus strand): 5'-TTCCAGAACTTTTTGGAACCTGATGGCCCGTTTTTTAAAAGTCGTTTTGACTGGACTGGC[A>AT]TTTTGGACCTCTGCTCTTTCCCATTTCCCTGTGTGTTAGTAACTGACTTTTTTTGATATG-3'